The following is an entry in ClinVar:

ClinVar aggregate classification (germline): Uncertain significance (1 of 4 stars; one submission).

Conditions:
Cardiovascular phenotype. Identifiers: MedGen CN230736.

Submission:

Ambry Genetics
Classification: Uncertain significance for Cardiovascular phenotype. Last evaluated: 2025-08-12. Review status: criteria provided, single submitter. Criteria: Ambry Variant Classification Scheme 2023. Collection method: clinical testing. Allele origin: germline.
Comment: The p.I2593N variant (also known as c.7778T>A), located in coding exon 26 of the APOB gene, results from a T to A substitution at nucleotide position 7778. The isoleucine at codon 2593 is replaced by asparagine, an amino acid with dissimilar properties. This amino acid position is conserved. In addition, this alteration is predicted to be tolerated by in silico analysis. Based on the available evidence, the clinical significance of this variant remains unclear.

NM_000384.3(APOB):c.7778T>A (p.Ile2593Asn)

Gene: APOB (apolipoprotein B; minus strand). Cytogenetic location: 2p24.1.
Variant type: single nucleotide variant.
Coding change: c.7778T>A on transcript NM_000384.3 (MANE Select); coding-DNA position 7778, T replaced by A.
Protein change: p.Ile2593Asn; replaces isoleucine 2593 with asparagine.
Molecular consequence: missense variant.
Genome position (GRCh38, 1-based): chr2:21,009,090, A>T on the plus strand (T>A on the coding strand, the complement: APOB is on the minus strand). VCF-style: chr2-21009090-A-T. GRCh37 (hg19) VCF-style: chr2-21231962-A-T.
Other names: short protein forms I2593N.
Identifiers: ClinVar variation 4125253 (VCV004125253.1).